The following is an entry in ClinVar:

ClinVar aggregate classification (germline): Pathogenic (1 of 4 stars; one submission).

Conditions:
Usher syndrome type 1C. Also called: USHER SYNDROME, TYPE I, ACADIAN VARIETY. Identifiers: Orphanet 231169, Orphanet 886, MedGen C1848604, MONDO:0010171, OMIM 276904.

Submission:

Myriad Genetics, Inc.
Classification: Pathogenic for Usher syndrome type 1C. Last evaluated: 2023-09-27. Review status: criteria provided, single submitter. Criteria: Myriad Autosomal Dominant, Autosomal Recessive and X-Linked Classification Criteria (2023). Collection method: clinical testing. Allele origin: unknown.
Comment: NM_005709.3(USH1C):c.163dupC(R55Pfs*6) is expected to be pathogenic in the context of USH1C-related disorders. This variant is predicted to lead to an abnormal or absent protein product due to the creation of a premature termination codon in USH1C, a gene where loss-of-function variants are known to be pathogenic. Please note: this variant was assessed in the context of healthy population screening.

NM_153676.4(USH1C):c.163dup (p.Arg55fs)

Gene: USH1C (USH1 protein network component harmonin; minus strand). Cytogenetic location: 11p15.1.
Variant type: Duplication.
Coding change: c.163dup on transcript NM_153676.4 (MANE Select); coding-DNA position 163, one base duplicated (C; older notation c.163dupC).
Protein change: p.Arg55fs; shifts the reading frame from arginine 55.
Molecular consequence: frameshift variant. On other transcripts: non-coding transcript variant (1).
Genome position (GRCh38, 1-based): chr11:17,531,484, G duplicated on the plus strand (C on the coding strand, the reverse complement: USH1C is on the minus strand); the first of 2 consecutive G bases (chr11:17,531,484-17,531,485); duplicating either gives the same sequence. VCF-style (leftmost placement, unchanged base first): chr11-17531483-C-CG. GRCh37 (hg19) VCF-style: chr11-17553030-C-CG.
Other names: c.163dup, p.Arg55fs (NM_001297764.2, NM_001440680.1, NM_001440681.1 and 5 more transcripts); c.196dup, p.Arg66fs (NM_001440679.1, NM_001440684.1, NM_001440686.1); short protein forms R55fs, R66fs.
Identifiers: ClinVar variation 5011913 (VCV005011913.1).